The following is an entry in ClinVar:

ClinVar aggregate classification (germline): Pathogenic. Review status: reviewed by expert panel (3 of 4 stars). 9 submissions from 9 submitters: Pathogenic (1). 8 of the submissions do not count toward it. Last evaluated 2016-09-08.

Conditions:
Hereditary cancer-predisposing syndrome. Also called: Hereditary Cancer Syndrome; Hereditary neoplastic syndrome; Neoplastic Syndromes, Hereditary; Tumor predisposition. Identifiers: Orphanet 140162, MedGen C0027672, MeSH D009386, MONDO:0015356.
Hereditary breast ovarian cancer syndrome. Also called: BRCA1- and BRCA2-Associated Hereditary Breast and Ovarian Cancer; Hereditary breast and ovarian cancer syndrome; Hereditary breast and ovarian cancer syndrome (HBOC); Breast and ovarian cancer; Hereditary breast and/or ovarian cancer syndrome; Hereditary breast and ovarian cancer. Identifiers: Orphanet 145, MedGen C0677776, MeSH D061325, MONDO:0003582. Disease mechanism: loss of function.
Breast-ovarian cancer, familial, susceptibility to, 1 (BROVCA1). Also called: BRCA1 Hereditary Breast and Ovarian Cancer; OVARIAN CANCER, SUSCEPTIBILITY TO. Identifiers: Orphanet 145, MedGen C2676676, MONDO:0011450, OMIM 604370. Disease mechanism: loss of function.

Submissions (9):

Evidence-based Network for the Interpretation of Germline Mutant Alleles (ENIGMA)
Classification: Pathogenic for Breast-ovarian cancer, familial, susceptibility to, 1. Last evaluated: 2016-09-08. Review status: reviewed by expert panel. Criteria: ENIGMA BRCA1/2 Classification Criteria (2015). Collection method: curation. Allele origin: germline.
Comment: Variant allele predicted to encode a truncated non-functional protein.

Women's Health and Genetics/Laboratory Corporation of America, LabCorp
Classification: Pathogenic for Hereditary breast ovarian cancer syndrome. Last evaluated: 2025-08-25. Review status: criteria provided, single submitter. Criteria: LabCorp Variant Classification Summary - May 2015. Collection method: clinical testing. Allele origin: germline. Not counted in ClinVar's aggregate classification.
Comment: Variant summary: BRCA1 c.1512dupT (p.Lys505X) results in a premature termination codon, predicted to cause a truncation of the encoded protein or absence of the protein due to nonsense mediated decay, which are commonly known mechanisms for disease. The variant was absent in 254114 control chromosomes. c.1512dupT has been observed in individual(s) affected with Hereditary Breast And Ovarian Cancer Syndrome (example: Song_2014 and Rebbeck_2018). These data indicate that the variant is likely to be associated with disease.The following publications have been ascertained in the context of this evaluation (PMID: 24728189, 16047344, 28111427, 29446198). ClinVar contains an entry for this variant (Variation ID: 91554). Based on the evidence outlined above, the variant was classified as pathogenic.

Labcorp Genetics (formerly Invitae), Labcorp
Classification: Pathogenic for Hereditary breast ovarian cancer syndrome. Last evaluated: 2025-08-18. Review status: criteria provided, single submitter. Criteria: Invitae Variant Classification Sherloc (09022015). Collection method: clinical testing. Allele origin: germline. Not counted in ClinVar's aggregate classification.
Comment: This sequence change creates a premature translational stop signal (p.Lys505*) in the BRCA1 gene. It is expected to result in an absent or disrupted protein product. Loss-of-function variants in BRCA1 are known to be pathogenic (PMID: 20104584). This variant is not present in population databases (gnomAD no frequency). This variant has not been reported in the literature in individuals affected with BRCA1-related conditions. ClinVar contains an entry for this variant (Variation ID: 91554). For these reasons, this variant has been classified as Pathogenic.

Ambry Genetics
Classification: Pathogenic for Hereditary cancer-predisposing syndrome. Last evaluated: 2023-06-26. Review status: criteria provided, single submitter. Criteria: Ambry Variant Classification Scheme 2023. Collection method: clinical testing. Allele origin: germline. Not counted in ClinVar's aggregate classification.
Comment: The c.1512dupT pathogenic mutation, located in coding exon 9 of the BRCA1 gene, results from a duplication of T at nucleotide position 1512, causing a translational frameshift with a predicted alternate stop codon (p.K505*). In one case control study, this alteration was detected in 1/2222 individuals with invasive epithelial ovarian cancer and 0/1528 matched controls. (Song H et al. Hum. Mol. Genet., 2014 Sep;23:4703-9). Additionally, this alteration was identified in a large, worldwide study of BRCA1/2 mutation positive families (Rebbeck TR et al. Hum. Mutat., 2018 05;39:593-620). In addition to the clinical data presented in the literature, this alteration is expected to result in loss of function by premature protein truncation or nonsense-mediated mRNA decay. As such, this alteration is interpreted as a disease-causing mutation.

Quest Diagnostics Nichols Institute San Juan Capistrano
Classification: Pathogenic. Last evaluated: 2023-01-12. Review status: criteria provided, single submitter. Criteria: Quest Diagnostics criteria. Collection method: clinical testing. Allele origin: unknown. Not counted in ClinVar's aggregate classification.
Comment: This nonsense variant causes the premature termination of BRCA1 protein synthesis. This variant has not been reported in large, multi-ethnic general populations. In the published literature, the variant has been reported in an affected individual with ovarian cancer (PMID: 24728189 (2014)). The variant was also found in a family in a worldwide BRCA1/BRCA2 screening study (PMID: 29446198 (2018)). Based on the available information, this variant is classified as pathogenic.

GeneDx
Classification: Pathogenic. Last evaluated: 2022-11-21. Review status: criteria provided, single submitter. Criteria: GeneDx Variant Classification Process June 2021. Collection method: clinical testing. Allele origin: germline. Affected: yes. Not counted in ClinVar's aggregate classification.
Comment: Nonsense variant predicted to result in protein truncation or nonsense mediated decay in a gene for which loss of function is a known mechanism of disease; Not observed at significant frequency in large population cohorts (gnomAD); Truncating variants in this gene are considered pathogenic by a well-established clinical consortium and/or database; Also known as 1631dup; Observed in an individual with serous ovarian cancer (Song et al., 2014) and similar variants resulting in the same protein change, Lys505Ter, have been reported in association with hereditary breast and ovarian cancer (Palmieri et al., 2002; Palomba et al., 2005; Jang et al., 2012; Kim et al., 2012); This variant is associated with the following publications: (PMID: 24728189, 12453858, 22217648, 16047344, 22798144)

Institute for Clinical Genetics, University Hospital TU Dresden, University Hospital TU Dresden
Classification: Pathogenic. Last evaluated: 2021-11-03. Review status: criteria provided, single submitter. Criteria: ACMG Guidelines, 2015. Collection method: clinical testing. Allele origin: germline. Not counted in ClinVar's aggregate classification.

Consortium of Investigators of Modifiers of BRCA1/2 (CIMBA), c/o University of Cambridge
Classification: Pathogenic for Breast-ovarian cancer, familial, susceptibility to, 1. Last evaluated: 2015-10-02. Review status: criteria provided, single submitter. Criteria: CIMBA Mutation Classification guidelines May 2016. Collection method: clinical testing. Allele origin: germline. Not counted in ClinVar's aggregate classification.

Sharing Clinical Reports Project (SCRP)
Classification: Pathogenic for Breast-ovarian cancer, familial 1. Last evaluated: 2010-06-28. Review status: no assertion criteria provided. Collection method: clinical testing. Allele origin: germline. Not counted in ClinVar's aggregate classification.

Literature cited by the submitters: PubMed 24728189 (cited by 3 submitters); PubMed 16047344 (cited by Women's Health and Genetics/Laboratory Corporation of America, LabCorp); PubMed 28111427 (cited by Women's Health and Genetics/Laboratory Corporation of America, LabCorp); PubMed 29446198 (cited by 3 submitters); PubMed 20104584 (cited by Labcorp Genetics (formerly Invitae), Labcorp).

NM_007294.4(BRCA1):c.1512dup (p.Lys505Ter)

Gene: BRCA1 (BRCA1 DNA repair associated; minus strand). Cytogenetic location: 17q21.31.
Variant type: Duplication.
Coding change: c.1512dup on transcript NM_007294.4 (MANE Select); coding-DNA position 1512, one base duplicated (T; older notation c.1512dupT).
Protein change: p.Lys505Ter; replaces lysine 505 with a stop codon.
Molecular consequence: nonsense. On other transcripts: intron variant (137), frameshift variant (1).
Genome position (GRCh38, 1-based): chr17:43,094,019, A duplicated on the plus strand (T on the coding strand, the reverse complement: BRCA1 is on the minus strand). VCF-style (leftmost placement, unchanged base first): chr17-43094018-T-TA. GRCh37 (hg19) VCF-style: chr17-41246035-T-TA.
Other names: 1631insT; c.1179dup, p.Lys394Ter (NM_001407949.1, NM_001407950.1, NM_001407951.1 and 6 more transcripts); c.1176dup, p.Lys393Ter (NM_001407954.1, NM_001407955.1, NM_001407956.1 and 1 more transcripts); c.1131dup, p.Lys378Ter (NM_001407959.1, NM_001407960.1, NM_001407963.1); c.1128dup, p.Lys377Ter (NM_001407962.1); c.1368dup, p.Lys457Ter (NM_001407964.1, NM_001407740.1, NM_001407741.1 and 20 more transcripts); c.1008dup, p.Lys337Ter (NM_001407965.1); c.624dup, p.Lys209Ter (NM_001407966.1, NM_001407967.1); and 42 more; short protein forms K458*, K505*, K209*, K337*, K457*, K377*, K393*, K416*.
Identifiers: ClinVar variation 91554 (VCV000091554.25), dbSNP rs398122636, ClinGen allele CA001020.